The following is an entry in ClinVar:

NM_001267550.2(TTN):c.101227C>T (p.Arg33743Ter)

Genes: TTN (titin; minus strand), TTN-AS1 (TTN antisense RNA 1; plus strand). Cytogenetic location: 2q31.2.
Variant type: single nucleotide variant.
Coding change: c.101227C>T on transcript NM_001267550.2 (MANE Select); coding-DNA position 101227, C replaced by T.
Protein change: p.Arg33743Ter; replaces arginine 33743 with a stop codon.
Molecular consequence: nonsense.
Genome position (GRCh38, 1-based): chr2:178,535,388, G>A on the plus strand (C>T on the coding strand, the complement: TTN is on the minus strand). VCF-style: chr2-178535388-G-A. GRCh37 (hg19) VCF-style: chr2-179400115-G-A.
Other names: p.R32102*:CGA>TGA; c.74407C>T, p.Arg24803Ter (NM_133432.3); c.74608C>T, p.Arg24870Ter (NM_133437.4); c.96304C>T, p.Arg32102Ter (NM_001256850.1); c.74032C>T, p.Arg24678Ter (NM_003319.4); c.93523C>T, p.Arg31175Ter (NM_133378.4); short protein forms R32102*, R33743*, R24678*, R31175*, R24803*, R24870*.
Identifiers: ClinVar variation 202429 (VCV000202429.19), dbSNP rs794729305, ClinGen allele CA309376.
Genomic context (GRCh38, chr2:178,535,388, plus strand): 5'-TTACCCGGAACTGGTAACTTGTTTTTCCAAATAAGTTGATCACGGTATAACGTGTTTCTC[G>A]GGCCTGTCCTACACGGAGCCATCTTTCTGCAGTAGTTGCACATTTTTCAACAATGTAGTT-3'

ClinVar aggregate classification (germline): Pathogenic/Likely pathogenic. Review status: criteria provided, multiple submitters, no conflicts (2 of 4 stars). 7 submissions from 7 submitters: Pathogenic (5); Likely pathogenic (2). Last evaluated 2026-04-02.

Conditions:
TTN-related disorder. Also called: TTN-related disorders; TTN-related condition; TTN-related disease.
Cardiovascular phenotype. Identifiers: MedGen CN230736.
Dilated cardiomyopathy 1G (CMD1G). Identifiers: Orphanet 154, MedGen C1858763, MONDO:0011400, OMIM 604145.
Autosomal recessive limb-girdle muscular dystrophy type 2J (LGMDR10). Also called: MUSCULAR DYSTROPHY, LIMB-GIRDLE, AUTOSOMAL RECESSIVE 10; Limb-girdle muscular dystrophy, type 2J. Identifiers: Orphanet 140922, MedGen C1837342, MONDO:0012127, OMIM 608807.
Primary familial dilated cardiomyopathy (FDC). Also called: Familial dilated cardiomyopathy; Hypokinetic dilated cardiomyopathy, familial. Identifiers: Orphanet 217607, MedGen C0340427, MONDO:0016333.
Tibial muscular dystrophy (TMD). Also called: Udd Distal Myopathy – Tibial Muscular Dystrophy; Tibial muscular dystrophy, tardive; UDD MYOPATHY. Identifiers: Orphanet 609, MedGen C1838244, MONDO:0010870, OMIM 600334.
Myopathy, myofibrillar, 9, with early respiratory failure (MFM9). Also called: Hereditary myopathy with early respiratory failure; EDSTROM MYOPATHY; Myopathy, distal, with early respiratory failure, autosomal dominant; MYOPATHY, PROXIMAL, WITH EARLY RESPIRATORY MUSCLE INVOLVEMENT. Identifiers: Orphanet 178464, Orphanet 34521, MedGen C1863599, MONDO:0011362, OMIM 603689.
Early-onset myopathy with fatal cardiomyopathy (CMYO5). Also called: CONGENITAL MYOPATHY 5 WITH CARDIOMYOPATHY; Salih Myopathy. Identifiers: Orphanet 289377, MedGen C2673677, MONDO:0012714, OMIM 611705. Disease mechanism: loss of function.
Hypertrophic cardiomyopathy 9. Also called: Familial hypertrophic cardiomyopathy 9. Identifiers: MedGen C1861065, MONDO:0013412, OMIM 613765.

Allele frequency attached by ClinVar (database versions not stated): gnomAD exomes 0.00001; gnomAD 0.00001; TOPMed 0.00001.
gnomAD v4.1: 4 of 1,613,690 alleles (0.00025%); highest among the groups gnomAD compares: East Asian, 0.0022%; no homozygotes.

Submissions 1 to 3 of 7:

Women's Health and Genetics/Laboratory Corporation of America, LabCorp
Classification: Pathogenic for Primary familial dilated cardiomyopathy. Last evaluated: 2026-04-02. Review status: criteria provided, single submitter. Criteria: LabCorp Variant Classification Summary - May 2015. Collection method: clinical testing. Allele origin: germline.
Comment: Variant summary: TTN c.93523C>T (p.Arg31175X) (also known as NM_001267550:c.101227C>T (p.Arg33743Ter)) results in a premature termination codon, predicted to cause a truncation of the encoded protein or absence of the protein due to nonsense mediated decay, which are commonly known mechanisms for disease. Loss of function variants in all TTN bands are strongly associated with a spectrum of autosomal recessive titinopathies when exon expression (proportion spliced in, PSI, 1=complete expression) in skeletal muscle is >0.1 (PMID: 36977548, 39198997, 29598826, 32778822, 29691892, 33449170, 36977548, internal data). In contrast, loss of function variants in all TTN bands are only strongly associated with autosomal dominant TTN-related cardiomyopathies if located in exons constitutively expressed (PSI >0.9) in cardiac muscle, excluding extreme C-terminal exons 359-363 (PMID: 25589632, 31216868, 32964742, 34662387, 27869827, Shetty et al., Nat Cardiovasc Res 2024,, internal data). This variant has a maximum skeletal muscle PSI of 0.942 and a maximum cardiac muscle PSI of 1.000. The variant was absent in 248922 control chromosomes. c.93523C>T has been observed segregating with disease in the heterozygous state in at least 3 related individual(s) affected with autosomal dominant Dilated Cardiomyopathy (example, Norton_2013). Further, this variant was confirmed trans with a different likely pathogenic/pathogenic truncation in the M band (NM_133378 exon 307) in a fetus with clinical features of lethal recessive TTNopathy (example, Li_2024). These data indicate that the variant is likely to be associated with disease. To our knowledge, no experimental evidence demonstrating an impact on protein function has been reported. The following publications have been ascertained in the context of this evaluation (PMID: 23418287, 38148006). ClinVar contains an entry for this variant (Variation ID: 202429). Based on the evidence outlined above, the variant was classified as pathogenic for both autosomal dominant and autosomal recessive TTN-related conditions.

PreventionGenetics, part of Exact Sciences
Classification: Pathogenic for TTN-related condition. Last evaluated: 2026-02-19. Review status: criteria provided, single submitter. Criteria: ACMG Guidelines, 2015. Collection method: clinical testing. Allele origin: germline.
Comment: The TTN c.101227C>T variant is predicted to result in premature protein termination (p.Arg33743*). This variant has been reported in the heterozygous state in individuals with dilated cardiomyopathy or peripartum cardiomyopathy, and has been documented to segregate with disorders in one family (described as p.Arg31175*, Norton et al. 2013. PubMed ID: 23418287; described as p.Arg31175* in Supplementary File 2, van Lint et al. 2019. PubMed ID: 30847666; Table S2, Goli et al. 2021. PubMed ID: 33874732). This variant has also been reported in the compound heterozygous state with a second nonsense variant in a severe case of autosomal recessive congenital titinopathy (Li et al. 2024. PubMed ID: 38148006). This variant occurs in the M-band region of the TTN protein. Exons 359-364 (Mex1-Mex6) have historically been found to harbor a significant number of pathogenic variants for TTN-related autosomal dominant and recessive muscle disorders (Hackman et al. 2002. PubMed ID: 12145747; Evilä et al. 2014. PubMed ID: 24395473). RNAseq studies from heart tissue indicate this exon is commonly expressed in TTN mRNA transcripts (PSI of 100%, Roberts et al. 2015. PubMed ID: 25589632). TTN loss-of-function variants occurring in constitutively expressed exons (PSI > 90%) are more likely to be disease causing for TTN cardiac-related disorders regardless of band location (Roberts et al. 2015. PubMed ID: 25589632; Schafer et al. 2017. PubMed ID: 27869827; Akhtar et al. 2020. PubMed ID: 32964742). Many cases of recessive TTN-related myopathies in which the individual is compound heterozygous for two loss-of-function variants in TTN have also been reported (Oates et al. 2018. PubMed ID: 29691892; Ge et al. 2019. PubMed ID: 31053406; Rees et al. 2021. PubMed ID: 33449170). In summary, this variant is categorized as pathogenic. Of note, this variant is considered pathogenic for increased risk of TTN-related cardiac disorders, and also for autosomal recessive TTN-related congenital titinopathies.

Labcorp Genetics (formerly Invitae), Labcorp
Classification: Pathogenic for Dilated cardiomyopathy 1G; Autosomal recessive limb-girdle muscular dystrophy type 2J. Last evaluated: 2026-01-19. Review status: criteria provided, single submitter. Criteria: Invitae Variant Classification Sherloc (09022015). Collection method: clinical testing. Allele origin: germline.
Comment: This sequence change creates a premature translational stop signal (p.Arg33743*) in the TTN gene. While this is not anticipated to result in nonsense mediated decay, it is expected to create a truncated TTN protein. This variant is not present in population databases (gnomAD no frequency). This premature translational stop signal has been observed in individual(s) with clinical features of autosomal dominant dilated cardiomyopathy (PMID: 23418287, 30847666, 33874732). It has also been observed to segregate with disease in related individuals. This variant is also known as p.Arg31175*. ClinVar contains an entry for this variant (Variation ID: 202429). This variant is located in the M band of TTN (PMID: 25589632). Truncating variants in this region have been previously reported in individuals affected with autosomal dominant or autosomal recessive myopathy and muscular dystrophy (PMID: 18948003, 23975875, 24395473). Truncating variants in this region have also been identified in individuals affected with autosomal dominant dilated cardiomyopathy and/or cardio-related conditions (PMID: 27869827, 32964742, internal data). For these reasons, this variant has been classified as Pathogenic.